The following is an entry in ClinVar:

ClinVar aggregate classification (germline): Uncertain significance (1 of 4 stars; one submission).

Conditions:
Atrial fibrillation, familial, 11 (ATFB11). Identifiers: MedGen C3279693, MONDO:0013544, OMIM 614049.
Atrial standstill 1 (ATRST1). Also called: ATRIAL CARDIOMYOPATHY WITH HEART BLOCK; CARDIOMYOPATHY, FAMILIAL, WITH CONDUCTION DISTURBANCE; Atrial standstill, digenic (GJA5/SCN5A). Identifiers: Orphanet 1344, MedGen C4551959, MONDO:0007171, OMIM 108770.

Allele frequency attached by ClinVar (database versions not stated): TOPMed 0.00001.
gnomAD v4.1: 1 of 1,614,098 alleles (0.000062%); highest among the groups gnomAD compares: Admixed American, 0.0017%; no homozygotes.

Submission:

Labcorp Genetics (formerly Invitae), Labcorp
Classification: Uncertain significance for Atrial fibrillation, familial, 11; Atrial standstill 1. Last evaluated: 2023-11-29. Review status: criteria provided, single submitter. Criteria: Invitae Variant Classification Sherloc (09022015). Collection method: clinical testing. Allele origin: germline.
Comment: This sequence change replaces lysine, which is basic and polar, with glutamic acid, which is acidic and polar, at codon 204 of the GJA5 protein (p.Lys204Glu). This variant is present in population databases (no rsID available, gnomAD 0.003%). This variant has not been reported in the literature in individuals affected with GJA5-related conditions. Advanced modeling of protein sequence and biophysical properties (such as structural, functional, and spatial information, amino acid conservation, physicochemical variation, residue mobility, and thermodynamic stability) performed at Invitae indicates that this missense variant is expected to disrupt GJA5 protein function with a positive predictive value of 80%. In summary, the available evidence is currently insufficient to determine the role of this variant in disease. Therefore, it has been classified as a Variant of Uncertain Significance.

NM_181703.4(GJA5):c.610A>G (p.Lys204Glu)

Genes: GJA5 (gap junction protein alpha 5; minus strand), LOC122128420 (Sharpr-MPRA regulatory region 3144; plus strand). Cytogenetic location: 1q21.2.
Variant type: single nucleotide variant.
Coding change: c.610A>G on transcript NM_181703.4 (MANE Select); coding-DNA position 610, A replaced by G.
Protein change: p.Lys204Glu; replaces lysine 204 with glutamic acid.
Molecular consequence: missense variant.
Genome position (GRCh38, 1-based): chr1:147,758,629, T>C on the plus strand (A>G on the coding strand, the complement: GJA5 is on the minus strand). VCF-style: chr1-147758629-T-C. GRCh37 (hg19) VCF-style: chr1-147230737-T-C.
Other names: c.610A>G, p.Lys204Glu (NM_005266.7); short protein forms K204E.
Identifiers: ClinVar variation 2949785 (VCV002949785.3), dbSNP rs1553226924, ClinGen allele CA342395423.